The following is an entry in ClinVar:

NM_005850.5(SF3B4):c.913+1G>A

Gene: SF3B4 (splicing factor 3b subunit 4; minus strand). Cytogenetic location: 1q21.2.
Variant type: single nucleotide variant.
Coding change: c.913+1G>A on transcript NM_005850.5 (MANE Select); the canonical splice donor site of the intron after coding-DNA position 913, G replaced by A.
Molecular consequence: splice donor variant.
Genome position (GRCh38, 1-based): chr1:149,925,835, C>T on the plus strand (G>A on the coding strand, the complement: SF3B4 is on the minus strand). VCF-style: chr1-149925835-C-T. GRCh37 (hg19) VCF-style: chr1-149897727-C-T.
Other names: IVS4DS, G-A, +1.
Identifiers: ClinVar variation 31653 (VCV000031653.3), dbSNP rs797045125, ClinGen allele CA204936.

ClinVar aggregate classification (germline): Pathogenic. Review status: criteria provided, single submitter (1 of 4 stars). 3 submissions from 3 submitters: Pathogenic (1). 2 of the submissions do not count toward it. Last evaluated 2024-04-15.

Conditions:
Nager syndrome (AFD1). Also called: Nager acrofacial dysostosis; Acrofacial Dysostosis 1, Nager Type; MANDIBULOFACIAL DYSOSTOSIS, TREACHER COLLINS TYPE, WITH LIMB ANOMALIES; Nager acrofacial dysostosis syndrome. Identifiers: Orphanet 245, MedGen C0265245, MONDO:0007943, OMIM 154400.

Submissions (3):

Labcorp Genetics (formerly Invitae), Labcorp
Classification: Pathogenic. Last evaluated: 2024-04-15. Review status: criteria provided, single submitter. Criteria: Invitae Variant Classification Sherloc (09022015). Collection method: clinical testing. Allele origin: germline.
Comment: This sequence change affects a donor splice site in intron 4 of the SF3B4 gene. It is expected to disrupt RNA splicing. Variants that disrupt the donor or acceptor splice site typically lead to a loss of protein function (PMID: 16199547), and loss-of-function variants in SF3B4 are known to be pathogenic (PMID: 22541558, 23568615). This variant is not present in population databases (gnomAD no frequency). Disruption of this splice site has been observed in individuals with Acrofacial dysostosis (PMID: 22541558; Invitae). ClinVar contains an entry for this variant (Variation ID: 31653). Algorithms developed to predict the effect of sequence changes on RNA splicing suggest that this variant may disrupt the consensus splice site. For these reasons, this variant has been classified as Pathogenic.

Clinical Genetics Research Group, University of Calgary
Classification: Pathogenic for Nager syndrome. Last evaluated: 2012-09-07. Review status: no assertion criteria provided. Collection method: research. Allele origin: unknown. Affected: yes. Not counted in ClinVar's aggregate classification.

OMIM
Classification: Pathogenic for ACROFACIAL DYSOSTOSIS 1, NAGER TYPE. Last evaluated: 2012-05-04. Review status: no assertion criteria provided. Collection method: literature only. Allele origin: germline. Not counted in ClinVar's aggregate classification.

Literature cited by the submitters: PubMed 16199547 (cited by Labcorp Genetics (formerly Invitae), Labcorp); PubMed 22541558 (cited by 3 submitters); PubMed 23568615 (cited by Labcorp Genetics (formerly Invitae), Labcorp).